The following is an entry in ClinVar:

NM_006254.4(PRKCD):c.1408A>G (p.Ile470Val)

Gene: PRKCD (protein kinase C delta; plus strand). Cytogenetic location: 3p21.1.
Variant type: single nucleotide variant.
Coding change: c.1408A>G on transcript NM_006254.4 (MANE Select); coding-DNA position 1408, A replaced by G.
Protein change: p.Ile470Val; replaces isoleucine 470 with valine.
Molecular consequence: missense variant.
Genome position (GRCh38, 1-based): chr3:53,187,395, A>G. VCF-style: chr3-53187395-A-G. GRCh37 (hg19) VCF-style: chr3-53221411-A-G.
Other names: c.1408A>G, p.Ile470Val (NM_001316327.2, NM_001354679.2, NM_001354680.2 and 1 more transcripts); c.1465A>G, p.Ile489Val (NM_001354676.2); c.1456A>G, p.Ile486Val (NM_001354678.2); short protein forms I470V, I489V, I486V.
Identifiers: ClinVar variation 3630444 (VCV003630444.1).

ClinVar aggregate classification (germline): Uncertain significance (1 of 4 stars; one submission).

Conditions:
Autoimmune lymphoproliferative syndrome, type III caused by mutation in PRKCD. Identifiers: Orphanet 3261, Orphanet 664711, MedGen C3809928, MONDO:8000024, OMIM 615559.

Submission:

Labcorp Genetics (formerly Invitae), Labcorp
Classification: Uncertain significance for Autoimmune lymphoproliferative syndrome, type III caused by mutation in PRKCD. Last evaluated: 2024-02-04. Review status: criteria provided, single submitter. Criteria: Invitae Variant Classification Sherloc (09022015). Collection method: clinical testing. Allele origin: germline.
Comment: This sequence change replaces isoleucine, which is neutral and non-polar, with valine, which is neutral and non-polar, at codon 470 of the PRKCD protein (p.Ile470Val). This variant is not present in population databases (gnomAD no frequency). This variant has not been reported in the literature in individuals affected with PRKCD-related conditions. An algorithm developed to predict the effect of missense changes on protein structure and function (PolyPhen-2) suggests that this variant¬†is likely to be tolerated. In summary, the available evidence is currently insufficient to determine the role of this variant in disease. Therefore, it has been classified as a Variant of Uncertain Significance.